The following is an entry in ClinVar:

ClinVar aggregate classification (germline): Uncertain significance (1 of 4 stars; one submission).

Conditions:
Kleefstra syndrome 1 (KLEFS1). Identifiers: Orphanet 261494, MedGen C0795833, MONDO:0027407, OMIM 610253.

Submission:

Labcorp Genetics (formerly Invitae), Labcorp
Classification: Uncertain significance for Kleefstra syndrome 1. Last evaluated: 2025-09-23. Review status: criteria provided, single submitter. Criteria: Invitae Variant Classification Sherloc (09022015). Collection method: clinical testing. Allele origin: germline.
Comment: This variant, c.1351_1353del, results in the deletion of 1 amino acid(s) of the EHMT1 protein (p.Lys451del), but otherwise preserves the integrity of the reading frame. This variant is not present in population databases (gnomAD no frequency). This variant has not been reported in the literature in individuals affected with EHMT1-related conditions. Experimental studies and prediction algorithms are not available or were not evaluated, and the functional significance of this variant is currently unknown. In summary, the available evidence is currently insufficient to determine the role of this variant in disease. Therefore, it has been classified as a Variant of Uncertain Significance.

NM_024757.5(EHMT1):c.1348AAG[1] (p.Lys451del)

Gene: EHMT1 (euchromatic histone lysine methyltransferase 1; plus strand). Cytogenetic location: 9q34.3.
Variant type: Microsatellite.
Coding change: c.1348AAG[1] on transcript NM_024757.5 (MANE Select); one copy of the 3-base unit AAG starting at c.1348; the reference has two copies in a row; one copy, 3 bases deleted.
Protein change: p.Lys451del; deletes lysine 451.
Molecular consequence: inframe deletion.
Genome position (GRCh38, 1-based): chr9:137,754,273-137,754,275, AAG deleted; deleting any 3 consecutive bases within chr9:137,754,270-137,754,275 gives the same sequence; the position shown is the placement nearest the transcript's 3' end. VCF-style (leftmost placement, unchanged base first): chr9-137754269-AAAG-A. GRCh37 (hg19) VCF-style: chr9-140648721-AAAG-A.
Other names: c.1348AAG[1], p.Lys451del (NM_001145527.2, NM_001354611.2); c.1255AAG[1], p.Lys420del (NM_001354259.2, NM_001354612.2); c.1327AAG[1], p.Lys444del (NM_001354263.2); short protein forms K444del, K420del, K451del.
Identifiers: ClinVar variation 4705683 (VCV004705683.1).